The following is an entry in ClinVar:

ClinVar aggregate classification (germline): Pathogenic (1 of 4 stars; one submission).

Conditions:
ALG6-congenital disorder of glycosylation 1C (CDG1C). Also called: CARBOHYDRATE-DEFICIENT GLYCOPROTEIN SYNDROME, TYPE I, WITH DEFICIENT GLYCOSYLATION OF DOLICHOL-LINKED OLIGOSACCHARIDE; CARBOHYDRATE-DEFICIENT GLYCOPROTEIN SYNDROME, TYPE V; CDG Ic; Congenital disorder of glycosylation, type Ic; Congenital disorder of glycosylation type 1C. Identifiers: Orphanet 79320, MedGen C2930997, MONDO:0011291, OMIM 603147.

Submission:

Labcorp Genetics (formerly Invitae), Labcorp
Classification: Pathogenic for ALG6-congenital disorder of glycosylation 1C. Last evaluated: 2023-12-07. Review status: criteria provided, single submitter. Criteria: Invitae Variant Classification Sherloc (09022015). Collection method: clinical testing. Allele origin: germline.
Comment: This sequence change creates a premature translational stop signal (p.Arg437Glufs*17) in the ALG6 gene. While this is not anticipated to result in nonsense mediated decay, it is expected to disrupt the last 71 amino acid(s) of the ALG6 protein. This variant is not present in population databases (gnomAD no frequency). This variant has not been reported in the literature in individuals affected with ALG6-related conditions. This variant disrupts a region of the ALG6 protein in which other variant(s) (p.Ser478Pro) have been determined to be pathogenic (PMID: 10914684). This suggests that this is a clinically significant region of the protein, and that variants that disrupt it are likely to be disease-causing. For these reasons, this variant has been classified as Pathogenic.

Literature cited by the submitters: PubMed 10914684.

NM_013339.4(ALG6):c.1308del (p.Arg437fs)

Gene: ALG6 (ALG6 alpha-1,3-glucosyltransferase; plus strand). Cytogenetic location: 1p31.3.
Variant type: Deletion.
Coding change: c.1308del on transcript NM_013339.4 (MANE Select); coding-DNA position 1308, one base deleted (C; older notation c.1308delC).
Protein change: p.Arg437fs; shifts the reading frame from arginine 437.
Molecular consequence: frameshift variant.
Genome position (GRCh38, 1-based): chr1:63,429,108, C deleted; the last of 2 consecutive C bases (chr1:63,429,107-63,429,108); deleting either gives the same sequence. VCF-style (leftmost placement, unchanged base first): chr1-63429106-TC-T. GRCh37 (hg19) VCF-style: chr1-63894777-TC-T.
Other names: short protein forms R437fs.
Identifiers: ClinVar variation 2760855 (VCV002760855.3), dbSNP rs2523794684, ClinGen allele CA2697552463.
Genomic context (GRCh38, chr1:63,429,106, plus strand): 5'-CTGCAGTTGAAATCCTTTTCCATTTCTGTGAGGAAATATCTTCCATGTTTTACATTTCTT[TC>T]CAGAATTATACAATATTTGGTAAGTTCAATTTTTAAGAAATGACACATTTTTCAGCATGT-3'